The following is an entry in ClinVar:

ClinVar aggregate classification (germline): Uncertain significance (1 of 4 stars; one submission).

Conditions:
RASopathy. Also called: Noonan spectrum disorder; rasopathies. Identifiers: Orphanet 536391, MedGen C5555857, MONDO:0021060.

gnomAD v4.1: 1 of 1,515,588 alleles (0.000066%); highest among the groups gnomAD compares: Middle Eastern, 0.023%; no homozygotes.

Submission:

Labcorp Genetics (formerly Invitae), Labcorp
Classification: Uncertain significance for RASopathy. Last evaluated: 2022-03-19. Review status: criteria provided, single submitter. Criteria: Invitae Variant Classification Sherloc (09022015). Collection method: clinical testing. Allele origin: germline.
Comment: In summary, the available evidence is currently insufficient to determine the role of this variant in disease. Therefore, it has been classified as a Variant of Uncertain Significance. Variants that disrupt the consensus splice site are a relatively common cause of aberrant splicing (PMID: 17576681, 9536098). Algorithms developed to predict the effect of sequence changes on RNA splicing suggest that this variant is not likely to affect RNA splicing. ClinVar contains an entry for this variant (Variation ID: 644387). This variant has not been reported in the literature in individuals affected with PTPN11-related conditions. This variant is not present in population databases (gnomAD no frequency). This sequence change falls in intron 1 of the PTPN11 gene. It does not directly change the encoded amino acid sequence of the PTPN11 protein. It affects a nucleotide within the consensus splice site.

Literature cited by the submitters: PubMed 17576681; PubMed 9536098.

NM_002834.5(PTPN11):c.14+6G>T

Gene: PTPN11 (protein tyrosine phosphatase non-receptor type 11; plus strand). Cytogenetic location: 12q24.13.
Variant type: single nucleotide variant.
Coding change: c.14+6G>T on transcript NM_002834.5 (MANE Select); 6 bases into the intron after coding-DNA position 14, G replaced by T.
Molecular consequence: intron variant.
Genome position (GRCh38, 1-based): chr12:112,419,131, G>T. VCF-style: chr12-112419131-G-T. GRCh37 (hg19) VCF-style: chr12-112856935-G-T.
Other names: c.14+6G>T (NM_001330437.2, NM_001374625.1, NM_080601.3).
Identifiers: ClinVar variation 644387 (VCV000644387.6), dbSNP rs1244171867, ClinGen allele CA915946692.